The following is an entry in ClinVar:

NM_014159.7(SETD2):c.3593A>G (p.Gln1198Arg)

Gene: SETD2 (SET domain containing 2, histone lysine methyltransferase; minus strand). Cytogenetic location: 3p21.31.
Variant type: single nucleotide variant.
Coding change: c.3593A>G on transcript NM_014159.7 (MANE Select); coding-DNA position 3593, A replaced by G.
Protein change: p.Gln1198Arg; replaces glutamine 1198 with arginine.
Molecular consequence: missense variant. On other transcripts: non-coding transcript variant (1).
Genome position (GRCh38, 1-based): chr3:47,121,043, T>C on the plus strand (A>G on the coding strand, the complement: SETD2 is on the minus strand). VCF-style: chr3-47121043-T-C. GRCh37 (hg19) VCF-style: chr3-47162533-T-C.
Other names: c.3461A>G, p.Gln1154Arg (NM_001349370.3); short protein forms Q1198R, Q1154R.
Identifiers: ClinVar variation 659341 (VCV000659341.5), dbSNP rs1575811938, ClinGen allele CA352521899.

ClinVar aggregate classification (germline): Uncertain significance (1 of 4 stars; one submission).

Conditions:
Luscan-Lumish syndrome. Identifiers: Orphanet 597738, MedGen C4085873, MONDO:0014791, OMIM 616831.

Submission:

Labcorp Genetics (formerly Invitae), Labcorp
Classification: Uncertain significance for Luscan-Lumish syndrome. Last evaluated: 2018-12-21. Review status: criteria provided, single submitter. Criteria: Invitae Variant Classification Sherloc (09022015). Collection method: clinical testing. Allele origin: germline.
Comment: This variant has not been reported in the literature in individuals with SETD2-related conditions. This variant is not present in population databases (ExAC no frequency). This sequence change replaces glutamine with arginine at codon 1198 of the SETD2 protein (p.Gln1198Arg). The glutamine residue is weakly conserved and there is a small physicochemical difference between glutamine and arginine. Algorithms developed to predict the effect of missense changes on protein structure and function (SIFT, PolyPhen-2, Align-GVGD) all suggest that this variant is likely to be tolerated, but these predictions have not been confirmed by published functional studies and their clinical significance is uncertain. In summary, the available evidence is currently insufficient to determine the role of this variant in disease. Therefore, it has been classified as a Variant of Uncertain Significance.